The following is an entry in ClinVar:

ClinVar aggregate classification (germline): Likely benign (1 of 4 stars; one submission).

Allele frequency attached by ClinVar (database versions not stated): TOPMed below 0.00001; ExAC 0.00001; gnomAD exomes 0.00001.
gnomAD v4.1: 8 of 1,613,202 alleles (0.0005%); highest among the groups gnomAD compares: Admixed American, 0.0017%; no homozygotes.

Submission:

CeGaT Center for Human Genetics Tuebingen
Classification: Likely benign. Last evaluated: 2022-09-01. Review status: criteria provided, single submitter. Criteria: CeGaT Center For Human Genetics Tuebingen Variant Classification Criteria Version 2. Collection method: clinical testing. Allele origin: germline. Affected: yes. Observed: 1 variant allele.
Comment: CSMD3: BP4, BP7

NM_198123.2(CSMD3):c.8328A>G (p.Ser2776=)

Gene: CSMD3 (CUB and Sushi multiple domains 3; minus strand). Cytogenetic location: 8q23.3.
Variant type: single nucleotide variant.
Coding change: c.8328A>G on transcript NM_198123.2 (MANE Select); coding-DNA position 8328, A replaced by G.
Protein change: p.Ser2776=; no amino-acid change (serine 2776 retained).
Molecular consequence: synonymous variant.
Genome position (GRCh38, 1-based): chr8:112,301,905, T>C on the plus strand (A>G on the coding strand, the complement: CSMD3 is on the minus strand). VCF-style: chr8-112301905-T-C. GRCh37 (hg19) VCF-style: chr8-113314134-T-C.
Other names: c.7728A>G, p.Ser2576= (NM_001363185.1); c.7821A>G, p.Ser2607= (NM_052900.3); c.8208A>G, p.Ser2736= (NM_198124.2).
Identifiers: ClinVar variation 2658757 (VCV002658757.24), dbSNP rs764146300, ClinGen allele CA4849002.